The following is an entry in ClinVar:

NC_000017.10:g.(?_29431418)_(29580296_?)dup

Gene: NF1 (neurofibromin 1; plus strand). Cytogenetic location: 17q11.2.
Variant type: Duplication.
Identifiers: ClinVar variation 3242894 (VCV003242894.1).

ClinVar aggregate classification (germline): Uncertain significance (1 of 4 stars; one submission).

Conditions:
Neurofibromatosis, type 1 (NF1). Also called: VON RECKLINGHAUSEN DISEASE; Neurofibromatosis, type I; Peripheral type neurofibromatosis; NEUROFIBROMATOSIS, TYPE I, SOMATIC. Identifiers: Orphanet 636, MedGen C0027831, MONDO:0018975, OMIM 162200. Disease mechanism: loss of function.

Submission:

Labcorp Genetics (formerly Invitae), Labcorp
Classification: Uncertain significance for Neurofibromatosis, type 1. Last evaluated: 2023-03-04. Review status: criteria provided, single submitter. Criteria: Invitae Variant Classification Sherloc (09022015). Collection method: clinical testing. Allele origin: unknown.
Comment: This variant results in a copy number gain of the genomic region encompassing exon(s) 2-30 of the NF1 gene. While the exact position of this variant cannot be determined from the data, sub-genic copy number gains are generally in tandem (PMID: 25640679). This variant is predicted to be in-frame, and likely preserves the integrity of the reading frame. A similar copy number variant has been observed in individual(s) with neurofibromatosis type 1 (Invitae). In summary, the available evidence is currently insufficient to determine the role of this variant in disease. Therefore, it has been classified as a Variant of Uncertain Significance.

Literature cited by the submitters: PubMed 25640679.